The following is an entry in ClinVar:

ClinVar aggregate classification (germline): Uncertain significance (1 of 4 stars; one submission).

Conditions:
Cortical dysplasia-focal epilepsy syndrome (PTHSL1). Also called: Pitt-Hopkins-like syndrome 1. Identifiers: Orphanet 163681, Orphanet 221150, MedGen C2750246, MONDO:0012400, OMIM 610042.

Submission:

Labcorp Genetics (formerly Invitae), Labcorp
Classification: Uncertain significance for Cortical dysplasia-focal epilepsy syndrome. Last evaluated: 2025-05-18. Review status: criteria provided, single submitter. Criteria: Invitae Variant Classification Sherloc (09022015). Collection method: clinical testing. Allele origin: germline.
Comment: This sequence change creates a premature translational stop signal (p.Trp1329*) in the CNTNAP2 gene. While this is not anticipated to result in nonsense mediated decay, it is expected to disrupt the last 3 amino acid(s) of the CNTNAP2 protein. This variant is not present in population databases (gnomAD no frequency). This variant has not been reported in the literature in individuals affected with CNTNAP2-related conditions. Experimental studies and prediction algorithms are not available or were not evaluated, and the functional significance of this variant is currently unknown. In summary, the available evidence is currently insufficient to determine the role of this variant in disease. Therefore, it has been classified as a Variant of Uncertain Significance.

NM_014141.6(CNTNAP2):c.3986G>A (p.Trp1329Ter)

Gene: CNTNAP2 (contactin associated protein 2; plus strand). Cytogenetic location: 7q36.1.
Variant type: single nucleotide variant.
Coding change: c.3986G>A on transcript NM_014141.6 (MANE Select); coding-DNA position 3986, G replaced by A.
Protein change: p.Trp1329Ter; replaces tryptophan 1329 with a stop codon.
Molecular consequence: nonsense.
Genome position (GRCh38, 1-based): chr7:148,415,606, G>A. VCF-style: chr7-148415606-G-A. GRCh37 (hg19) VCF-style: chr7-148112698-G-A.
Other names: short protein forms W1329*.
Identifiers: ClinVar variation 4719513 (VCV004719513.1).